The following is an entry in ClinVar:

ClinVar aggregate classification (germline): Uncertain significance. Review status: criteria provided, multiple submitters, no conflicts (2 of 4 stars). 2 submissions from 2 submitters: Uncertain significance (2). Last evaluated 2026-03-01.

Submissions (2):

CeGaT Center for Human Genetics Tuebingen
Classification: Uncertain significance. Last evaluated: 2026-03-01. Review status: criteria provided, single submitter. Criteria: CeGaT Center For Human Genetics Tuebingen Variant Classification Criteria Version 2. Collection method: clinical testing. Allele origin: germline. Affected: yes. Observed: 1 variant allele.
Comment: CNOT1: PM2

GeneDx
Classification: Uncertain significance. Last evaluated: 2025-03-12. Review status: criteria provided, single submitter. Criteria: GeneDx Variant Classification Process June 2021. Collection method: clinical testing. Allele origin: germline. Affected: yes.
Comment: Not observed at significant frequency in large population cohorts (gnomAD); In silico analysis indicates that this missense variant does not alter protein structure/function; Has not been previously published as pathogenic or benign to our knowledge

NM_016284.5(CNOT1):c.2392G>A (p.Ala798Thr)

Gene: CNOT1 (CCR4-NOT transcription complex subunit 1; minus strand). Cytogenetic location: 16q21.
Variant type: single nucleotide variant.
Coding change: c.2392G>A on transcript NM_016284.5 (MANE Select); coding-DNA position 2392, G replaced by A.
Protein change: p.Ala798Thr; replaces alanine 798 with threonine.
Molecular consequence: missense variant. On other transcripts: non-coding transcript variant (1).
Genome position (GRCh38, 1-based): chr16:58,556,934, C>T on the plus strand (G>A on the coding strand, the complement: CNOT1 is on the minus strand). VCF-style: chr16-58556934-C-T. GRCh37 (hg19) VCF-style: chr16-58590838-C-T.
Other names: c.2392G>A, p.Ala798Thr (NM_001265612.2, NM_206999.3); short protein forms A798T.
Identifiers: ClinVar variation 4083300 (VCV004083300.5).